The following is an entry in ClinVar:

NM_006348.5(COG5):c.320T>C (p.Ile107Thr)

Gene: COG5 (component of oligomeric golgi complex 5; minus strand). Cytogenetic location: 7q22.3.
Variant type: single nucleotide variant.
Coding change: c.320T>C on transcript NM_006348.5 (MANE Select); coding-DNA position 320, T replaced by C.
Protein change: p.Ile107Thr; replaces isoleucine 107 with threonine.
Molecular consequence: missense variant. On other transcripts: intron variant (1).
Genome position (GRCh38, 1-based): chr7:107,548,305, A>G on the plus strand (T>C on the coding strand, the complement: COG5 is on the minus strand). VCF-style: chr7-107548305-A-G. GRCh37 (hg19) VCF-style: chr7-107188750-A-G.
Other names: c.320T>C, p.Ile107Thr (NM_001161520.2, NM_001379511.1, NM_001379512.1 and 4 more transcripts); c.234+9671T>C (NM_001379516.1); c.413T>C (NM_006348.3); short protein forms I107T.
Identifiers: ClinVar variation 2319342 (VCV002319342.7), dbSNP rs141321873, ClinGen allele CA4431441.
Genomic context (GRCh38, chr7:107,548,305, plus strand): 5'-CATTCCATTTATTTATAAAATTAAGAACAGTACCTATCAACAGCTCCCTGTAAAGCCCCA[A>G]TTCTCGTCTGCATCATCTGAAGAACACCTAGGAAAACATAAGTTTACATTGGCTTTACAA-3'
Protein context (NP_006339.4, residues 97-117): EGVLQMMQTR[Ile107Thr]GALQGAVDRI

ClinVar aggregate classification (germline): Uncertain significance. Review status: criteria provided, multiple submitters, no conflicts (2 of 4 stars). 2 submissions from 2 submitters: Uncertain significance (2). Last evaluated 2025-05-13.

Conditions:
Inborn genetic diseases. Identifiers: MedGen C0950123, MeSH D030342.
COG5-congenital disorder of glycosylation. Also called: CONGENITAL DISORDER OF GLYCOSYLATION, TYPE IIi; COG5-CDG; CDG IIi. Identifiers: Orphanet 263487, MedGen C3150876, MONDO:0013325, OMIM 613612.

Allele frequency attached by ClinVar (database versions not stated): gnomAD 0.00003; ExAC 0.00005; gnomAD exomes 0.00006; TOPMed 0.00008; ESP Exome Variant Server 0.00015.
gnomAD v4.1: 87 of 1,613,794 alleles (0.0054%); highest among the groups gnomAD compares: Non-Finnish European, 0.007%; no homozygotes.

Submissions (2):

Ambry Genetics
Classification: Uncertain significance for Inborn genetic diseases. Last evaluated: 2025-05-13. Review status: criteria provided, single submitter. Criteria: Ambry Variant Classification Scheme 2023. Collection method: clinical testing. Allele origin: germline.

Labcorp Genetics (formerly Invitae), Labcorp
Classification: Uncertain significance for COG5-congenital disorder of glycosylation. Last evaluated: 2022-05-16. Review status: criteria provided, single submitter. Criteria: Invitae Variant Classification Sherloc (09022015). Collection method: clinical testing. Allele origin: germline.
Comment: This sequence change replaces isoleucine, which is neutral and non-polar, with threonine, which is neutral and polar, at codon 138 of the COG5 protein (p.Ile138Thr). This variant is present in population databases (rs141321873, gnomAD 0.01%). This variant has not been reported in the literature in individuals affected with COG5-related conditions. Algorithms developed to predict the effect of missense changes on protein structure and function are either unavailable or do not agree on the potential impact of this missense change (SIFT: "Deleterious"; PolyPhen-2: "Benign"; Align-GVGD: "Class C0"). In summary, the available evidence is currently insufficient to determine the role of this variant in disease. Therefore, it has been classified as a Variant of Uncertain Significance.